The following is an entry in ClinVar:

NM_015346.4(ZFYVE26):c.3163_3164insCATCTTTTCTCTTCCTT (p.Gly1055fs)

Gene: ZFYVE26 (zinc finger FYVE-type containing 26; minus strand). Cytogenetic location: 14q24.1.
Variant type: Insertion.
Coding change: c.3163_3164insCATCTTTTCTCTTCCTT on transcript NM_015346.4 (MANE Select); coding-DNA positions 3163 to 3164, CATCTTTTCTCTTCCTT inserted.
Protein change: p.Gly1055fs; shifts the reading frame from glycine 1055.
Molecular consequence: frameshift variant.
Genome position: GRCh38 VCF-style: chr14-67785998-C-CAAGGAAGAGAAAAGATG. GRCh37 (hg19) VCF-style: chr14-68252715-C-CAAGGAAGAGAAAAGATG.
Other names: short protein forms G1055fs.
Identifiers: ClinVar variation 1726407 (VCV001726407.2), dbSNP rs2502817671, ClinGen allele CA2580088639.

ClinVar aggregate classification (germline): Likely pathogenic (1 of 4 stars; one submission).

Conditions:
Hereditary spastic paraplegia 15 (SPG15). Also called: SPASTIC PARAPLEGIA 15, AUTOSOMAL RECESSIVE; KJELLIN SYNDROME; SPASTIC PARAPLEGIA AND RETINAL DEGENERATION. Identifiers: Orphanet 100996, MedGen C1849128, MONDO:0010044, OMIM 270700.

Submission:

Myriad Genetics, Inc.
Classification: Likely pathogenic for Hereditary spastic paraplegia 15. Last evaluated: 2021-12-17. Review status: criteria provided, single submitter. Criteria: Myriad Women's Health Autosomal Recessive and X-Linked Classification Criteria (2021). Collection method: clinical testing. Allele origin: unknown.
Comment: NM_015346.3(ZFYVE26):c.3163_3164ins17(G1055Afs*24) is expected to be pathogenic in the context of spastic paraplegia type 15. This variant is predicted to lead to an abnormal or absent protein product due to the creation of a premature termination codon in ZFYVE26, a gene where loss-of-function variants are known to be pathogenic. Please note: this variant was assessed in the context of healthy population screening.